The following is an entry in ClinVar:

ClinVar aggregate classification (germline): Uncertain significance (1 of 4 stars; one submission).

Submission:

GeneDx
Classification: Uncertain significance. Last evaluated: 2023-05-14. Review status: criteria provided, single submitter. Criteria: GeneDx Variant Classification Process June 2021. Collection method: clinical testing. Allele origin: germline. Affected: yes.
Comment: Not observed at significant frequency in large population cohorts (gnomAD); In silico analysis supports that this missense variant has a deleterious effect on protein structure/function; Has not been previously published as pathogenic or benign to our knowledge

NM_005068.3(SIM1):c.13T>C (p.Ser5Pro)

Gene: SIM1 (SIM bHLH transcription factor 1; minus strand). Cytogenetic location: 6q16.3.
Variant type: single nucleotide variant.
Coding change: c.13T>C on transcript NM_005068.3 (MANE Select); coding-DNA position 13, T replaced by C.
Protein change: p.Ser5Pro; replaces serine 5 with proline.
Molecular consequence: missense variant.
Genome position (GRCh38, 1-based): chr6:100,463,456, A>G on the plus strand (T>C on the coding strand, the complement: SIM1 is on the minus strand). VCF-style: chr6-100463456-A-G. GRCh37 (hg19) VCF-style: chr6-100911332-A-G.
Other names: c.13T>C, p.Ser5Pro (NM_001374769.1); short protein forms S5P.
Identifiers: ClinVar variation 2663718 (VCV002663718.1), dbSNP rs2482182450, ClinGen allele CA365130917.
Genomic context (GRCh38, chr6:100,463,456, plus strand): 5'-TAGCCAGTTCATAAAATTCACTGTTTTCCTTCTCCCTCCTAGTCCGCGCAGCATTTTTGG[A>G]CTTTTCTTTCATTGTGTCTTGTTCCCCCTTTCTTCTCACAACTTAAGCTCCGCAGATTCA-3'
Protein context (NP_005059.2, residues 1-15): MKEK[Ser5Pro]KNAARTRREK